The following is an entry in ClinVar:

ClinVar aggregate classification (germline): Benign/Likely benign. Review status: criteria provided, multiple submitters, no conflicts (2 of 4 stars). 10 submissions from 10 submitters: Benign (4); Likely benign (2). 4 of the submissions do not count toward it. Last evaluated 2026-02-03.

Conditions:
KMT2A-related disorder. Also called: KMT2A-related condition.
Inborn genetic diseases. Identifiers: MedGen C0950123, MeSH D030342.

Allele frequency attached by ClinVar (database versions not stated): 1000 Genomes Project 30x 0.00016; 1000 Genomes Project 0.00020; ExAC 0.00068; gnomAD exomes 0.00084 and 0.00149; gnomAD 0.00086 and 0.00089; TOPMed 0.00099; ESP Exome Variant Server 0.00100.
gnomAD v4.1: 2,317 of 1,613,990 alleles (0.14%); highest among the groups gnomAD compares: Non-Finnish European, 0.16%; 1 homozygote.

Submissions (10):

Labcorp Genetics (formerly Invitae), Labcorp
Classification: Benign. Last evaluated: 2026-02-03. Review status: criteria provided, single submitter. Criteria: Invitae Variant Classification Sherloc (09022015). Collection method: clinical testing. Allele origin: germline.

CeGaT Center for Human Genetics Tuebingen
Classification: Benign. Last evaluated: 2025-12-01. Review status: criteria provided, single submitter. Criteria: CeGaT Center For Human Genetics Tuebingen Variant Classification Criteria Version 2. Collection method: clinical testing. Allele origin: germline. Affected: yes. Observed: 5 variant alleles.
Comment: KMT2A: BP4, BS1, BS2

Blueprint Genetics
Classification: Likely benign. Last evaluated: 2024-11-25. Review status: criteria provided, single submitter. Criteria: ACMG Guidelines, 2015. Collection method: clinical testing. Allele origin: germline.

Ambry Genetics
Classification: Benign for Inborn genetic diseases. Last evaluated: 2022-04-21. Review status: criteria provided, single submitter. Criteria: Ambry Variant Classification Scheme 2023. Collection method: clinical testing. Allele origin: germline.

GeneDx
Classification: Benign. Last evaluated: 2019-06-06. Review status: criteria provided, single submitter. Criteria: GeneDx Variant Classification Process June 2021. Collection method: clinical testing. Allele origin: germline. Affected: yes.
Comment: This variant is associated with the following publications: (PMID: 29574747)

Center for Pediatric Genomic Medicine, Children's Mercy Hospital and Clinics
Classification: Likely benign. Last evaluated: 2017-08-29. Review status: criteria provided, single submitter. Criteria: ACMG Guidelines, 2015. Collection method: clinical testing. Allele origin: germline.

PreventionGenetics, part of Exact Sciences
Classification: Likely benign for KMT2A-related condition. Last evaluated: 2020-06-24. Review status: no assertion criteria provided. Collection method: clinical testing. Allele origin: germline. Not counted in ClinVar's aggregate classification.
Comment: This variant is classified as likely benign based on ACMG/AMP sequence variant interpretation guidelines (Richards et al. 2015 PMID: 25741868, with internal and published modifications).

Clinical Genetics DNA and cytogenetics Diagnostics Lab, Erasmus MC, Erasmus Medical Center
Classification: Likely benign. Review status: no assertion criteria provided. Collection method: clinical testing. Allele origin: germline. Affected: yes. Study: VKGL Data-share Consensus. Not counted in ClinVar's aggregate classification.

Genome Diagnostics Laboratory, University Medical Center Utrecht
Classification: Likely benign. Review status: no assertion criteria provided. Collection method: clinical testing. Allele origin: germline. Affected: yes. Study: VKGL Data-share Consensus. Not counted in ClinVar's aggregate classification.

Laboratory of Diagnostic Genome Analysis, Leiden University Medical Center (LUMC)
Classification: Likely benign. Review status: no assertion criteria provided. Collection method: clinical testing. Allele origin: germline. Affected: yes. Study: VKGL Data-share Consensus. Not counted in ClinVar's aggregate classification.

NM_001197104.2(KMT2A):c.10850T>C (p.Leu3617Pro)

Gene: KMT2A (lysine methyltransferase 2A; plus strand). Cytogenetic location: 11q23.3.
Variant type: single nucleotide variant.
Coding change: c.10850T>C on transcript NM_001197104.2 (MANE Select); coding-DNA position 10850, T replaced by C.
Protein change: p.Leu3617Pro; replaces leucine 3617 with proline.
Molecular consequence: missense variant.
Genome position (GRCh38, 1-based): chr11:118,509,150, T>C. VCF-style: chr11-118509150-T-C. GRCh37 (hg19) VCF-style: chr11-118379865-T-C.
Other names: c.10841T>C, p.Leu3614Pro (NM_005933.4); short protein forms L3617P, L3614P.
Identifiers: ClinVar variation 445956 (VCV000445956.43), dbSNP rs146191865, ClinGen allele CA6304850.